The following is an entry in ClinVar:

NM_001367561.1(DOCK7):c.6385T>C (p.Ser2129Pro)

Gene: DOCK7 (dedicator of cytokinesis 7; minus strand). Cytogenetic location: 1p31.3.
Variant type: single nucleotide variant.
Coding change: c.6385T>C on transcript NM_001367561.1 (MANE Select); coding-DNA position 6385, T replaced by C.
Protein change: p.Ser2129Pro; replaces serine 2129 with proline.
Molecular consequence: missense variant.
Genome position (GRCh38, 1-based): chr1:62,455,452, A>G on the plus strand (T>C on the coding strand, the complement: DOCK7 is on the minus strand). VCF-style: chr1-62455452-A-G. GRCh37 (hg19) VCF-style: chr1-62921123-A-G.
Other names: c.6352T>C, p.Ser2118Pro (NM_001271999.2); c.6265T>C, p.Ser2089Pro (NM_001272000.2); c.6259T>C, p.Ser2087Pro (NM_001272001.2); c.6358T>C, p.Ser2120Pro (NM_001330614.2); c.6292T>C, p.Ser2098Pro (NM_033407.4); short protein forms S2087P, S2089P, S2098P, S2118P, S2120P, S2129P.
Identifiers: ClinVar variation 1003723 (VCV001003723.9), dbSNP rs1645320095, ClinGen allele CA340628796.

ClinVar aggregate classification (germline): Uncertain significance (1 of 4 stars; one submission).

Conditions:
Developmental and epileptic encephalopathy, 23 (DEE23). Also called: Epileptic encephalopathy, early infantile, 23. Identifiers: Orphanet 411986, MedGen C4014492, MONDO:0014371, OMIM 615859.

Allele frequency attached by ClinVar (database versions not stated): TOPMed below 0.00001.

Submission:

Labcorp Genetics (formerly Invitae), Labcorp
Classification: Uncertain significance for Developmental and epileptic encephalopathy, 23. Last evaluated: 2022-11-01. Review status: criteria provided, single submitter. Criteria: Invitae Variant Classification Sherloc (09022015). Collection method: clinical testing. Allele origin: germline.
Comment: ClinVar contains an entry for this variant (Variation ID: 1003723). In summary, the available evidence is currently insufficient to determine the role of this variant in disease. Therefore, it has been classified as a Variant of Uncertain Significance. Algorithms developed to predict the effect of missense changes on protein structure and function (SIFT, PolyPhen-2, Align-GVGD) all suggest that this variant is likely to be tolerated. This variant has not been reported in the literature in individuals affected with DOCK7-related conditions. This variant is not present in population databases (gnomAD no frequency). This sequence change replaces serine, which is neutral and polar, with proline, which is neutral and non-polar, at codon 2118 of the DOCK7 protein (p.Ser2118Pro).